The following is an entry in ClinVar:

ClinVar aggregate classification (germline): Uncertain significance (1 of 4 stars; one submission).

Submission:

CeGaT Center for Human Genetics Tuebingen
Classification: Uncertain significance. Last evaluated: 2023-05-01. Review status: criteria provided, single submitter. Criteria: CeGaT Center For Human Genetics Tuebingen Variant Classification Criteria Version 2. Collection method: clinical testing. Allele origin: germline. Affected: yes. Observed: 1 variant allele.
Comment: UNC13B: PM2

NM_001371189.2(UNC13B):c.468+2T>G

Gene: UNC13B (unc-13 homolog B; plus strand). Cytogenetic location: 9p13.3.
Variant type: single nucleotide variant.
Coding change: c.468+2T>G on transcript NM_001371189.2 (MANE Select); the canonical splice donor site of the intron after coding-DNA position 468, T replaced by G.
Molecular consequence: splice donor variant.
Genome position (GRCh38, 1-based): chr9:35,243,366, T>G. VCF-style: chr9-35243366-T-G. GRCh37 (hg19) VCF-style: chr9-35243363-T-G.
Other names: c.468+2T>G (NM_001387551.1, NM_001330653.3, NM_006377.6 and 1 more transcripts); c.321+2T>G (NM_001387553.1, NM_001387554.1).
Identifiers: ClinVar variation 2659172 (VCV002659172.24), dbSNP rs2491479723, ClinGen allele CA373485239.